The following is an entry in ClinVar:

NM_014415.4(ZBTB11):c.1345A>T (p.Ser449Cys)

Gene: ZBTB11 (zinc finger and BTB domain containing 11; minus strand). Cytogenetic location: 3q12.3.
Variant type: single nucleotide variant.
Coding change: c.1345A>T on transcript NM_014415.4 (MANE Select); coding-DNA position 1345, A replaced by T.
Protein change: p.Ser449Cys; replaces serine 449 with cysteine.
Molecular consequence: missense variant.
Genome position (GRCh38, 1-based): chr3:101,665,242, T>A on the plus strand (A>T on the coding strand, the complement: ZBTB11 is on the minus strand). VCF-style: chr3-101665242-T-A. GRCh37 (hg19) VCF-style: chr3-101384086-T-A.
Other names: c.1345A>T (NM_014415.3); short protein forms S449C.
Identifiers: ClinVar variation 1695079 (VCV001695079.32), dbSNP rs151249814, ClinGen allele CA2521202.

ClinVar aggregate classification (germline): Likely benign. Review status: criteria provided, single submitter (1 of 4 stars). 2 submissions from 2 submitters: Likely benign (1). 1 of the submissions does not count toward it. Last evaluated 2026-07-01.

Conditions:
ZBTB11-related disorder. Also called: ZBTB11-related condition.

Allele frequency attached by ClinVar (database versions not stated): gnomAD 0.00119 and 0.00122; gnomAD exomes 0.00137 and 0.00149; ExAC 0.00153; 1000 Genomes Project 0.00060; 1000 Genomes Project 30x 0.00062; TOPMed 0.00099; ESP Exome Variant Server 0.00115.

Submissions (2):

CeGaT Center for Human Genetics Tuebingen
Classification: Likely benign. Last evaluated: 2026-07-01. Review status: criteria provided, single submitter. Criteria: CeGaT Center For Human Genetics Tuebingen Variant Classification Criteria Version 2. Collection method: clinical testing. Allele origin: germline. Affected: yes. Observed: 4 variant alleles.
Comment: ZBTB11: BP4, BS2

PreventionGenetics, part of Exact Sciences
Classification: Likely benign for ZBTB11-related condition. Last evaluated: 2022-06-22. Review status: no assertion criteria provided. Collection method: clinical testing. Allele origin: germline. Not counted in ClinVar's aggregate classification.
Comment: This variant is classified as likely benign based on ACMG/AMP sequence variant interpretation guidelines (Richards et al. 2015 PMID: 25741868, with internal and published modifications).